The following is an entry in ClinVar:

NM_000169.3(GLA):c.639+1G>C

Genes: GLA (galactosidase alpha; minus strand), RPL36A-HNRNPH2 (RPL36A-HNRNPH2 readthrough; plus strand). Cytogenetic location: Xq22.1.
Variant type: single nucleotide variant.
Coding change: c.639+1G>C on transcript NM_000169.3 (MANE Select); the canonical splice donor site of the intron after coding-DNA position 639, G replaced by C.
Molecular consequence: splice donor variant. On other transcripts: intron variant (2).
Genome position (GRCh38, 1-based): chrX:101,400,665, C>G on the plus strand (G>C on the coding strand, the complement: GLA is on the minus strand). VCF-style: chrX-101400665-C-G. GRCh37 (hg19) VCF-style: chrX-100655653-C-G.
Other names: c.300+5208C>G (NM_001199973.2); c.177+8843C>G (NM_001199974.2); c.762+1G>C (NM_001406747.1); c.639+1G>C (NM_001406748.1).
Identifiers: ClinVar variation 4087216 (VCV004087216.2).

ClinVar aggregate classification (germline): Pathogenic (1 of 4 stars; one submission).

Conditions:
Fabry disease. Also called: ALPHA-GALACTOSIDASE A DEFICIENCY; ANDERSON-FABRY DISEASE; CERAMIDE TRIHEXOSIDASE DEFICIENCY; GLA DEFICIENCY; HEREDITARY DYSTOPIC LIPIDOSIS; Angiokeratoma corporis diffusum. Identifiers: Orphanet 324, MedGen C0002986, MONDO:0010526, OMIM 301500, HP:0001071. Disease mechanism: Fabry disease is due to inactivating mutations in the X-linked GLA gene resulting in deficiency of the enzyme Alpha Galactosidase-A., loss of function.

Submission:

Genomenon, Inc
Classification: Pathogenic for Fabry disease. Last evaluated: 2026-09-08. Review status: criteria provided, single submitter. Criteria: Genomenon Sequence Variant Interpretation Standards - Updated. Collection method: curation. Allele origin: germline. Affected: yes.
Comment: GLA c.639+1G>C is a canonical splice variant affecting the donor splice site of intron 4. It is predicted to affect mRNA splicing, leading to a deleterious effect on the GLA protein. This variant has been observed in at least one proband with clinical features consistent with Fabry disease (PMID:10916280). At least one splicing study has demonstrated that this variant results in aberrant splicing (PMID:36499585). It is absent or not present at a significant frequency in gnomAD. In conclusion, we classify GLA c.639+1G>C as a pathogenic variant.

Literature cited by the submitters: PubMed 10916280; PubMed 36499585.